The following is an entry in ClinVar:

ClinVar aggregate classification (germline): Likely benign (1 of 4 stars; one submission).

Conditions:
Leigh syndrome (NULS). Also called: Leigh's necrotizing encephalopathy; Leigh's disease; Leigh Syndrome (mtDNA deletion); Leigh Disease; Subacute necrotizing encephalopathy; Necrotizing encephalopathy infantile subacute of Leigh. Identifiers: Orphanet 506, MedGen C2931891, MONDO:0009723, OMIM 256000.

Submission:

Wong Mito Lab, Molecular and Human Genetics, Baylor College of Medicine
Classification: Likely benign for Leigh syndrome. Last evaluated: 2019-10-17. Review status: criteria provided, single submitter. Criteria: Modified ACMG Guidelines (Unpublished). Collection method: clinical testing. Allele origin: germline.
Comment: The NC_012920.1:m.8596A>G (YP_003024031.1:p.Ile24Val) variant in MTATP6 gene is interpretated to be a Likely Benign variant based on the modified ACMG guidelines (unpublished). This variant meets the following evidence codes: BS4, BP6

NC_012920.1(MT-ATP6):m.8596A>G

Gene: MT-ATP6 (mitochondrially encoded ATP synthase 6; plus strand).
Variant type: single nucleotide variant.
Genome position: chrM-8596-A-G.
Identifiers: ClinVar variation 692917 (VCV000692917.1), dbSNP rs1603221617, ClinGen allele CA414796851.